The following is an entry in ClinVar:

ClinVar aggregate classification (germline): Uncertain significance (1 of 4 stars; one submission).

Submission:

Labcorp Genetics (formerly Invitae), Labcorp
Classification: Uncertain significance. Last evaluated: 2022-02-05. Review status: criteria provided, single submitter. Criteria: Invitae Variant Classification Sherloc (09022015). Collection method: clinical testing. Allele origin: germline.
Comment: In summary, the available evidence is currently insufficient to determine the role of this variant in disease. Therefore, it has been classified as a Variant of Uncertain Significance. Advanced modeling of protein sequence and biophysical properties (such as structural, functional, and spatial information, amino acid conservation, physicochemical variation, residue mobility, and thermodynamic stability) performed at Invitae indicates that this missense variant is not expected to disrupt KMT2A protein function. This variant has not been reported in the literature in individuals affected with KMT2A-related conditions. This variant is not present in population databases (gnomAD no frequency). This sequence change replaces serine, which is neutral and polar, with asparagine, which is neutral and polar, at codon 2536 of the KMT2A protein (p.Ser2536Asn).

NM_001197104.2(KMT2A):c.7607G>A (p.Ser2536Asn)

Gene: KMT2A (lysine methyltransferase 2A; plus strand). Cytogenetic location: 11q23.3.
Variant type: single nucleotide variant.
Coding change: c.7607G>A on transcript NM_001197104.2 (MANE Select); coding-DNA position 7607, G replaced by A.
Protein change: p.Ser2536Asn; replaces serine 2536 with asparagine.
Molecular consequence: missense variant.
Genome position (GRCh38, 1-based): chr11:118,503,499, G>A. VCF-style: chr11-118503499-G-A. GRCh37 (hg19) VCF-style: chr11-118374214-G-A.
Other names: c.7598G>A, p.Ser2533Asn (NM_005933.4); short protein forms S2533N, S2536N.
Identifiers: ClinVar variation 1513226 (VCV001513226.8), dbSNP rs1555046704, ClinGen allele CA382806170.